The following is an entry in ClinVar:

ClinVar aggregate classification (germline): Conflicting classifications of pathogenicity. Review status: criteria provided, conflicting classifications (1 of 4 stars). 4 submissions from 4 submitters: Uncertain significance (2); Likely benign (2). Last evaluated 2024-10-28.

Conditions:
Joubert syndrome 26 (JBTS26). Identifiers: Orphanet 475, MedGen C4084843, MONDO:0014771, OMIM 616784.

Allele frequency attached by ClinVar (database versions not stated): gnomAD exomes 0.00040 and 0.00073; ExAC 0.00048; TOPMed 0.00057; gnomAD 0.00063 and 0.00064; ESP Exome Variant Server 0.00108.
gnomAD v4.1: 1,150 of 1,612,370 alleles (0.071%); highest among the groups gnomAD compares: Non-Finnish European, 0.091%; 1 homozygote.

Submissions (4):

Labcorp Genetics (formerly Invitae), Labcorp
Classification: Uncertain significance. Last evaluated: 2024-10-28. Review status: criteria provided, single submitter. Criteria: Invitae Variant Classification Sherloc (09022015). Collection method: clinical testing. Allele origin: germline.
Comment: This sequence change replaces serine, which is neutral and polar, with leucine, which is neutral and non-polar, at codon 950 of the KIAA0556 protein (p.Ser950Leu). This variant is present in population databases (rs71389806, gnomAD 0.08%). This variant has not been reported in the literature in individuals affected with KIAA0556-related conditions. ClinVar contains an entry for this variant (Variation ID: 1342577). An algorithm developed to predict the effect of missense changes on protein structure and function outputs the following: PolyPhen-2: "Benign". The leucine amino acid residue is found in multiple mammalian species, which suggests that this missense change does not adversely affect protein function. In summary, the available evidence is currently insufficient to determine the role of this variant in disease. Therefore, it has been classified as a Variant of Uncertain Significance.

Blueprint Genetics
Classification: Likely benign. Last evaluated: 2024-09-16. Review status: criteria provided, single submitter. Criteria: ACMG Guidelines, 2015. Collection method: clinical testing. Allele origin: germline.

Ambry Genetics
Classification: Likely benign. Last evaluated: 2021-12-16. Review status: criteria provided, single submitter. Criteria: Ambry Variant Classification Scheme 2023. Collection method: clinical testing. Allele origin: germline.

New York Genome Center
Classification: Uncertain significance for Joubert syndrome 26. Last evaluated: 2021-07-07. Review status: criteria provided, single submitter. Criteria: NYGC Assertion Criteria 2020. Collection method: clinical testing. Allele origin: inherited. Observed: 1 compound heterozygote. Study: CSER-NYCKidSeq.
Comment: The c.2849C>T (p.Ser950Leu) inherited variant in exon 16 of 28 of KATNIP has not been reported in affected individuals in the available literature. This variant is absent in gnomAD v3 indicating it is not a common benign variant in the populations represented in this database. In silico predictors suggest this variant isBenign (REVEL score: 0.008) and Tolerated (SIFT score: 0.32). Given the current evidence regarding its pathogenicity, the c.2849C>T (p.Ser950Leu) variant identified in the KATNIP gene is classified as a Variant of uncertain significance.

NM_015202.5(KATNIP):c.2849C>T (p.Ser950Leu)

Gene: KATNIP (katanin interacting protein; plus strand). Cytogenetic location: 16p12.1.
Variant type: single nucleotide variant.
Coding change: c.2849C>T on transcript NM_015202.5 (MANE Select); coding-DNA position 2849, C replaced by T.
Protein change: p.Ser950Leu; replaces serine 950 with leucine.
Molecular consequence: missense variant.
Genome position (GRCh38, 1-based): chr16:27,749,809, C>T. VCF-style: chr16-27749809-C-T. GRCh37 (hg19) VCF-style: chr16-27761130-C-T.
Other names: c.2849C>T (NM_015202.2); short protein forms S950L.
Identifiers: ClinVar variation 1342577 (VCV001342577.6), dbSNP rs71389806, ClinGen allele CA7978082.